The following is an entry in ClinVar:

NM_024857.5(ATAD5):c.4013-8G>A

Gene: ATAD5 (ATPase family AAA domain containing 5; plus strand). Cytogenetic location: 17q11.2.
Variant type: single nucleotide variant.
Coding change: c.4013-8G>A on transcript NM_024857.5 (MANE Select); 8 bases into the intron before coding-DNA position 4013, G replaced by A.
Molecular consequence: intron variant.
Genome position (GRCh38, 1-based): chr17:30,879,415, G>A. VCF-style: chr17-30879415-G-A. GRCh37 (hg19) VCF-style: chr17-29206433-G-A.
Identifiers: ClinVar variation 769918 (VCV000769918.7), dbSNP rs9903862, ClinGen allele CA8484210.

ClinVar aggregate classification (germline): Benign. Review status: criteria provided, multiple submitters, no conflicts (2 of 4 stars). 3 submissions from 3 submitters: Benign (2). 1 of the submissions does not count toward it. Last evaluated 2019-12-31.

Conditions:
ATAD5-related disorder. Also called: ATAD5-related condition.

Allele frequency attached by ClinVar (database versions not stated): ESP Exome Variant Server 0.07927; gnomAD 0.08178 and 0.08795; TOPMed 0.09279; gnomAD exomes 0.09463 and 0.10972; ExAC 0.11624.
gnomAD v4.1: 150,238 of 1,596,464 alleles (9.4%); highest among the groups gnomAD compares: South Asian, 24%; 8,859 homozygotes.

Submissions (3):

Labcorp Genetics (formerly Invitae), Labcorp
Classification: Benign. Last evaluated: 2019-12-31. Review status: criteria provided, single submitter. Criteria: Invitae Variant Classification Sherloc (09022015). Collection method: clinical testing. Allele origin: germline.

Breakthrough Genomics
Classification: Benign. Review status: criteria provided, single submitter. Criteria: ACMG Guidelines, 2015. Collection method: not provided. Allele origin: germline. Inheritance: Unknown mechanism. Affected: yes.

PreventionGenetics, part of Exact Sciences
Classification: Benign for ATAD5-related condition. Last evaluated: 2019-11-04. Review status: no assertion criteria provided. Collection method: clinical testing. Allele origin: germline. Not counted in ClinVar's aggregate classification.
Comment: This variant is classified as benign based on ACMG/AMP sequence variant interpretation guidelines (Richards et al. 2015 PMID: 25741868, with internal and published modifications).